The following is an entry in ClinVar:

NM_012193.4(FZD4):c.508C>A (p.Pro170Thr)

Genes: FZD4 (frizzled class receptor 4; minus strand), PRSS23 (serine protease 23; plus strand). Cytogenetic location: 11q14.2.
Variant type: single nucleotide variant.
Coding change: c.508C>A on transcript NM_012193.4 (MANE Select); coding-DNA position 508, C replaced by A.
Protein change: p.Pro170Thr; replaces proline 170 with threonine.
Molecular consequence: missense variant. On other transcripts: non-coding transcript variant (2).
Genome position (GRCh38, 1-based): chr11:86,952,248, G>T on the plus strand (C>A on the coding strand, the complement: FZD4 is on the minus strand). VCF-style: chr11-86952248-G-T. GRCh37 (hg19) VCF-style: chr11-86663290-G-T.
Other names: short protein forms P170T.
Identifiers: ClinVar variation 4810564 (VCV004810564.1).
Genomic context (GRCh38, chr11:86,952,248, plus strand): 5'-GATCAGAATTGGTTCCCACAGAGTGACACTCTTCCCCAGGCTGGATGGGGGTTTTGTGAG[G>T]TAAGGGCACCTCTTCATCACCTGGCCCTTCCATGCACATGTGGTTGTGGTCGTTCTGTGG-3'
Protein context (NP_036325.2, residues 160-180): EGPGDEEVPL[Pro170Thr]HKTPIQPGEE

ClinVar aggregate classification (germline): Uncertain significance (1 of 4 stars; one submission).

gnomAD v4.1: 2 of 1,614,232 alleles (0.00012%); highest among the groups gnomAD compares: Non-Finnish European, 0.00017%; no homozygotes.

Submission:

Labcorp Genetics (formerly Invitae), Labcorp
Classification: Uncertain significance. Last evaluated: 2025-03-18. Review status: criteria provided, single submitter. Criteria: Invitae Variant Classification Sherloc (09022015). Collection method: clinical testing. Allele origin: germline.
Comment: This sequence change replaces proline, which is neutral and non-polar, with threonine, which is neutral and polar, at codon 170 of the FZD4 protein (p.Pro170Thr). This variant is present in population databases (no rsID available, gnomAD 0.0009%). This variant has not been reported in the literature in individuals affected with FZD4-related conditions. Invitae Evidence Modeling of protein sequence and biophysical properties (such as structural, functional, and spatial information, amino acid conservation, physicochemical variation, residue mobility, and thermodynamic stability) indicates that this missense variant is not expected to disrupt FZD4 protein function with a negative predictive value of 80%. In summary, the available evidence is currently insufficient to determine the role of this variant in disease. Therefore, it has been classified as a Variant of Uncertain Significance.